The following is an entry in ClinVar:

ClinVar aggregate classification (germline): Likely benign. Review status: criteria provided, multiple submitters, no conflicts (2 of 4 stars). 3 submissions from 3 submitters: Likely benign (2). 1 of the submissions does not count toward it. Last evaluated 2018-01-12.

Conditions:
Hyperprolinemia type 2 (HYRPRO2). Also called: 1-PYRROLINE-5-CARBOXYLATE DEHYDROGENASE DEFICIENCY; Deficiency of pyrroline-5-carboxylate reductase; Delta-1-pyrroline-5-carboxylate dehydrogenase deficiency. Identifiers: Orphanet 79101, MedGen C2931835, MONDO:0009401, OMIM 239510.
ALDH4A1-related disorder. Also called: ALDH4A1-related condition.

Allele frequency attached by ClinVar (database versions not stated): ESP Exome Variant Server 0.02002; gnomAD exomes 0.02115; ExAC 0.02385; 1000 Genomes Project 0.03554; 1000 Genomes Project 30x 0.03623; TOPMed 0.03994.
gnomAD v4.1: 45,575 of 1,484,726 alleles (3.1%); highest among the groups gnomAD compares: Middle Eastern, 6.6%; 826 homozygotes.

Submissions (3):

Illumina Laboratory Services, Illumina
Classification: Likely benign for Hyperprolinemia type 2. Last evaluated: 2018-01-12. Review status: criteria provided, single submitter. Criteria: ICSL Variant Classification Criteria 13 December 2019. Collection method: clinical testing. Allele origin: germline.
Comment: This variant was observed in the ICSL laboratory as part of a predisposition screen in an ostensibly healthy population. It had not been previously curated by ICSL or reported in the Human Gene Mutation Database (HGMD: prior to June 1st, 2018), and was therefore a candidate for classification through an automated scoring system. Utilizing variant allele frequency, disease prevalence and penetrance estimates, and inheritance mode, an automated score was calculated to assess if this variant is too frequent to cause the disease. Based on the score and internal cut-off values, a variant classified as likely benign is not then subjected to further curation. The score for this variant resulted in a classification of likely benign for this disease.

Breakthrough Genomics
Classification: Likely benign. Review status: criteria provided, single submitter. Criteria: ACMG Guidelines, 2015. Collection method: not provided. Allele origin: germline. Inheritance: Autosomal recessive inheritance. Affected: yes.

PreventionGenetics, part of Exact Sciences
Classification: Benign for ALDH4A1-related condition. Last evaluated: 2019-12-16. Review status: no assertion criteria provided. Collection method: clinical testing. Allele origin: germline. Not counted in ClinVar's aggregate classification.
Comment: This variant is classified as benign based on ACMG/AMP sequence variant interpretation guidelines (Richards et al. 2015 PMID: 25741868, with internal and published modifications).

NM_003748.4(ALDH4A1):c.-7A>G

Genes: ALDH4A1 (aldehyde dehydrogenase 4 family member A1; minus strand), LOC129929550 (ATAC-STARR-seq lymphoblastoid silent region 346; plus strand). Cytogenetic location: 1p36.13.
Variant type: single nucleotide variant.
Coding change: c.-7A>G on transcript NM_003748.4 (MANE Select); 7 bases upstream of the start codon, A replaced by G.
Molecular consequence: 5 prime UTR variant.
Genome position (GRCh38, 1-based): chr1:18,902,530, T>C on the plus strand (A>G on the coding strand, the complement: ALDH4A1 is on the minus strand). VCF-style: chr1-18902530-T-C. GRCh37 (hg19) VCF-style: chr1-19229024-T-C.
Other names: c.-7A>G (NM_001319218.2, NM_170726.3, NM_170726.2).
Identifiers: ClinVar variation 294396 (VCV000294396.8), dbSNP rs9426679, ClinGen allele CA647561.